The following is an entry in ClinVar:

NM_015272.5(RPGRIP1L):c.2465T>C (p.Phe822Ser)

Gene: RPGRIP1L (RPGRIP1 like; minus strand). Cytogenetic location: 16q12.2.
Variant type: single nucleotide variant.
Coding change: c.2465T>C on transcript NM_015272.5 (MANE Select); coding-DNA position 2465, T replaced by C.
Protein change: p.Phe822Ser; replaces phenylalanine 822 with serine.
Molecular consequence: missense variant.
Genome position (GRCh38, 1-based): chr16:53,645,843, A>G on the plus strand (T>C on the coding strand, the complement: RPGRIP1L is on the minus strand). VCF-style: chr16-53645843-A-G. GRCh37 (hg19) VCF-style: chr16-53679755-A-G.
Other names: c.2465T>C, p.Phe822Ser (NM_001127897.4, NM_001308334.3, NM_001330538.2); short protein forms F822S.
Identifiers: ClinVar variation 1714313 (VCV001714313.6), dbSNP rs1156640840, ClinGen allele CA395914561.

ClinVar aggregate classification (germline): Uncertain significance (1 of 4 stars; one submission).

Conditions:
Meckel-Gruber syndrome. Also called: DYSENCEPHALIA SPLANCHNOCYSTICA; GRUBER SYNDROME; Dysencephalia splachnocystica. Identifiers: Orphanet 564, MedGen C0265215, MONDO:0018921.
Joubert syndrome. Also called: CEREBELLOPARENCHYMAL DISORDER IV; JOUBERT-BOLTSHAUSER SYNDROME; Familial aplasia of the vermis. Identifiers: Orphanet 475, MedGen C5979921, MONDO:0018772.

Allele frequency attached by ClinVar (database versions not stated): TOPMed 0.00001.

Submission:

Labcorp Genetics (formerly Invitae), Labcorp
Classification: Uncertain significance for Joubert syndrome; Meckel-Gruber syndrome. Last evaluated: 2022-07-30. Review status: criteria provided, single submitter. Criteria: Invitae Variant Classification Sherloc (09022015). Collection method: clinical testing. Allele origin: germline.
Comment: This sequence change replaces phenylalanine, which is neutral and non-polar, with serine, which is neutral and polar, at codon 822 of the RPGRIP1L protein (p.Phe822Ser). This variant is not present in population databases (gnomAD no frequency). This variant has not been reported in the literature in individuals affected with RPGRIP1L-related conditions. Algorithms developed to predict the effect of missense changes on protein structure and function are either unavailable or do not agree on the potential impact of this missense change (SIFT: "Deleterious"; PolyPhen-2: "Probably Damaging"; Align-GVGD: "Class C0"). In summary, the available evidence is currently insufficient to determine the role of this variant in disease. Therefore, it has been classified as a Variant of Uncertain Significance.